The following is an entry in ClinVar:

NM_013444.4(UBQLN2):c.1037C>G (p.Ser346Cys)

Gene: UBQLN2 (ubiquilin 2; plus strand). Cytogenetic location: Xp11.21.
Variant type: single nucleotide variant.
Coding change: c.1037C>G on transcript NM_013444.4 (MANE Select); coding-DNA position 1037, C replaced by G.
Protein change: p.Ser346Cys; replaces serine 346 with cysteine.
Molecular consequence: missense variant.
Genome position (GRCh38, 1-based): chrX:56,564,910, C>G. VCF-style: chrX-56564910-C-G. GRCh37 (hg19) VCF-style: chrX-56591343-C-G.
Other names: short protein forms S346C.
Identifiers: ClinVar variation 1303196 (VCV001303196.6), dbSNP rs753009660, ClinGen allele CA10430115.

ClinVar aggregate classification (germline): Uncertain significance. Review status: criteria provided, multiple submitters, no conflicts (2 of 4 stars). 2 submissions from 2 submitters: Uncertain significance (2). Last evaluated 2025-05-15.

Conditions:
Amyotrophic lateral sclerosis type 15. Also called: AMYOTROPHIC LATERAL SCLEROSIS 15 WITH FRONTOTEMPORAL DEMENTIA. Identifiers: Orphanet 803, MedGen C3275459, MONDO:0010459, OMIM 300857.

Allele frequency attached by ClinVar (database versions not stated): TOPMed 0.00001; ExAC 0.00002; gnomAD exomes 0.00002 and 0.00004; gnomAD 0.00004.
gnomAD v4.1: 49 of 1,209,044 alleles (0.0041%); highest among the groups gnomAD compares: Non-Finnish European, 0.005%; no homozygotes.

Submissions (2):

Labcorp Genetics (formerly Invitae), Labcorp
Classification: Uncertain significance for Amyotrophic lateral sclerosis type 15. Last evaluated: 2025-05-15. Review status: criteria provided, single submitter. Criteria: Invitae Variant Classification Sherloc (09022015). Collection method: clinical testing. Allele origin: germline.
Comment: This sequence change replaces serine, which is neutral and polar, with cysteine, which is neutral and slightly polar, at codon 346 of the UBQLN2 protein (p.Ser346Cys). This variant is present in population databases (rs753009660, gnomAD 0.004%), including at least one homozygous and/or hemizygous individual. This missense change has been observed in individual(s) with clinical features of UBQLN2-related conditions (PMID: 23312802). ClinVar contains an entry for this variant (Variation ID: 1303196). An algorithm developed to predict the effect of missense changes on protein structure and function (PolyPhen-2) suggests that this variant is likely to be disruptive. In summary, the available evidence is currently insufficient to determine the role of this variant in disease. Therefore, it has been classified as a Variant of Uncertain Significance.

GeneDx
Classification: Uncertain significance. Last evaluated: 2019-11-20. Review status: criteria provided, single submitter. Criteria: GeneDx Variant Classification Process June 2021. Collection method: clinical testing. Allele origin: germline. Affected: yes.
Comment: In silico analysis, which includes protein predictors and evolutionary conservation, supports that this variant does not alter protein structure/function; This variant is associated with the following publications: (PMID: 23312802, 31319884)

Literature cited by the submitters: PubMed 23312802 (cited by Labcorp Genetics (formerly Invitae), Labcorp).